The following is an entry in ClinVar:

NC_000007.14:g.156764262T>C

Genes: LMBR1 (limb development membrane protein 1; minus strand), SHH (sonic hedgehog signaling molecule; minus strand). Cytogenetic location: 7q36.3.
Variant type: single nucleotide variant.
Molecular consequence: intron variant (on NM_022458.4).
Genome position: GRCh38 VCF-style: chr7-156764262-T-C. GRCh37 (hg19) VCF-style: chr7-156556956-T-C.
Other names: c.361-467A>G (NM_001363412.2); c.145-467A>G (NM_001350954.2); c.424-467A>G (NM_001363410.2, NM_022458.4, NM_001363409.2 and 1 more transcripts); c.-33-467A>G (NM_001350958.2, NM_001350956.2, NM_001350955.2 and 1 more transcripts); c.55-467A>G (NM_001350957.2, NM_001363411.2).
Identifiers: ClinVar variation 3702017 (VCV003702017.2).

ClinVar aggregate classification (germline): Uncertain significance (1 of 4 stars; one submission).

Conditions:
Holoprosencephaly 3 (HPE3). Identifiers: Orphanet 2162, MedGen C1840529, MONDO:0007733, OMIM 142945.

Submission:

Labcorp Genetics (formerly Invitae), Labcorp
Classification: Uncertain significance for Holoprosencephaly 3. Last evaluated: 2024-02-20. Review status: criteria provided, single submitter. Criteria: Invitae Variant Classification Sherloc (09022015). Collection method: clinical testing. Allele origin: germline.
Comment: This variant occurs in a non-coding region of the SHH gene. It does not change the encoded amino acid sequence of the SHH protein. This variant is not present in population databases (gnomAD no frequency). This variant has not been reported in the literature in individuals affected with SHH-related conditions. Experimental studies and prediction algorithms are not available or were not evaluated, and the effect of this variant on mRNA splicing is currently unknown. In summary, the available evidence is currently insufficient to determine the role of this variant in disease. Therefore, it has been classified as a Variant of Uncertain Significance.